The following is an entry in ClinVar:

ClinVar aggregate classification (germline): Conflicting classifications of pathogenicity. Review status: criteria provided, conflicting classifications (1 of 4 stars). 2 submissions from 2 submitters: Uncertain significance (1); Likely benign (1). Last evaluated 2023-10-04.

Conditions:
X-linked Alport syndrome (ATS1). Also called: NEPHROPATHY AND DEAFNESS, X-LINKED; COL4A5-Related Nephropathy. Identifiers: Orphanet 63, Orphanet 88917, MedGen C4746986, MONDO:0010520, OMIM 301050.

Allele frequency attached by ClinVar (database versions not stated): gnomAD exomes below 0.00001 and 0.00001; TOPMed 0.00002.
gnomAD v4.1: 1 of 1,210,709 alleles (0.000083%); highest among the groups gnomAD compares: East Asian, 0.003%; no homozygotes.

Submissions (2):

Labcorp Genetics (formerly Invitae), Labcorp
Classification: Likely benign. Last evaluated: 2023-10-04. Review status: criteria provided, single submitter. Criteria: Invitae Variant Classification Sherloc (09022015). Collection method: clinical testing. Allele origin: germline.

Department of Nephrology, Rheumatology and Immunology, Shanghai Children's Hospital
Classification: Uncertain significance for X-linked Alport syndrome. Last evaluated: 2021-11-03. Review status: criteria provided, single submitter. Criteria: ACMG Guidelines, 2015. Collection method: clinical testing. Allele origin: maternal. Affected: yes. Observed: 1 variant allele.
Comment: The NM_000495.5(COL4A5):c.3155A>C (p.Gln1052Pro) is a missense variant in COL4A5. This variant is absent from the gnomAD v3.1.2 (GRCh38) population database (PM2). In summary, this variant meets criteria to be classified as Uncertain Significance for Alport syndrome based on the ACMG/AMP 2015 criteria applied: PM2, PP1, PP4.

NM_033380.3(COL4A5):c.3155A>C (p.Gln1052Pro)

Gene: COL4A5 (collagen type IV alpha 5 chain; plus strand). Cytogenetic location: Xq22.3.
Variant type: single nucleotide variant.
Coding change: c.3155A>C on transcript NM_033380.3 (MANE Select); coding-DNA position 3155, A replaced by C.
Protein change: p.Gln1052Pro; replaces glutamine 1052 with proline.
Molecular consequence: missense variant.
Genome position (GRCh38, 1-based): chrX:108,626,258, A>C. VCF-style: chrX-108626258-A-C. GRCh37 (hg19) VCF-style: chrX-107869488-A-C.
Other names: c.3155A>C, p.Gln1052Pro (NM_000495.5); short protein forms Q1052P.
Identifiers: ClinVar variation 1531640 (VCV001531640.9), dbSNP rs1193080627, ClinGen allele CA413854937.
Genomic context (GRCh38, chrX:108,626,258, plus strand): 5'-TATTTTCAACAGGGCCTCAGGGTGTGGAAGGGCCTCCTGGACCTTCTGGAGTTCCTGGAC[A>C]ACCTGGCTCCCCAGGATTACCTGGACAGAAAGGCGACAAAGGTGATCCTGGTATTTCAAG-3'
Protein context (NP_203699.1, residues 1042-1062): GPPGPSGVPG[Gln1052Pro]PGSPGLPGQK